The following is an entry in ClinVar:

ClinVar aggregate classification (germline): Uncertain significance. Review status: criteria provided, multiple submitters, no conflicts (2 of 4 stars). 3 submissions from 3 submitters: Uncertain significance (3). Last evaluated 2025-04-30.

Conditions:
Hereditary cancer-predisposing syndrome. Also called: Tumor predisposition; Hereditary Cancer Syndrome; Neoplastic Syndromes, Hereditary; Hereditary neoplastic syndrome. Identifiers: Orphanet 140162, MedGen C0027672, MeSH D009386, MONDO:0015356.
Classic or attenuated familial adenomatous polyposis. Identifiers: MedGen CN372698, MONDO:0021057.

Submissions (3):

Ambry Genetics
Classification: Uncertain significance for Hereditary cancer-predisposing syndrome. Last evaluated: 2025-04-30. Review status: criteria provided, single submitter. Criteria: Ambry Variant Classification Scheme 2023. Collection method: clinical testing. Allele origin: germline.
Comment: The c.2607_2608delTCins11 variant (also known as p.P870delinsFFKA), located in coding exon 15 of the APC gene, results from an in-frame deletion of TC and insertion of CTTCTTCAAAG at nucleotide positions 2607 to 2608. This results in the substitution of a proline residue for phenylalanine, phenylalanine, lysine, and alanine residues at codon 870. This amino acid position is not well conserved in available vertebrate species. In addition, this alteration is predicted to be neutral by in silico analysis (Choi Y et al. PLoS ONE. 2012; 7(10):e46688). Since supporting evidence is limited at this time, the clinical significance of this alteration remains unclear.

Color Diagnostics, LLC DBA Color Health
Classification: Uncertain significance for Hereditary cancer-predisposing syndrome. Last evaluated: 2023-07-18. Review status: criteria provided, single submitter. Criteria: ACMG Guidelines, 2015. Collection method: clinical testing. Allele origin: germline.
Comment: This variant causes an in-frame deletion of two nucleotides and insertion of 11 new nucleotides, resulting in the deletion of one amino acid and insertion of four new amino acids in exon 16 of the APC protein. To our knowledge, functional studies have not been reported for this variant. This variant has not been reported in individuals affected with APC-related disorders in the literature. This variant has not been identified in the general population by the Genome Aggregation Database (gnomAD). The available evidence is insufficient to determine the role of this variant in disease conclusively. Therefore, this variant is classified as a Variant of Uncertain Significance.

Department of Pathology and Laboratory Medicine, Sinai Health System
Classification: Uncertain significance for classic or attenuated familial adenomatous polyposis. Last evaluated: 2023-04-21. Review status: criteria provided, single submitter. Criteria: ACMG Guidelines, 2015. Collection method: clinical testing. Allele origin: germline.

NM_000038.6(APC):c.2607_2608delinsCTTCTTCAAAG (p.Pro870delinsPhePheLysAla)

Gene: APC (APC regulator of Wnt signaling pathway; plus strand). Cytogenetic location: 5q22.2.
Variant type: Indel.
Coding change: c.2607_2608delinsCTTCTTCAAAG on transcript NM_000038.6 (MANE Select); coding-DNA positions 2607 to 2608, TC replaced by CTTCTTCAAAG.
Protein change: p.Pro870delinsPhePheLysAla.
Molecular consequence: inframe indel.
Genome position (GRCh38, 1-based): chr5:112,838,201-112,838,202, TC replaced by CTTCTTCAAAG. VCF-style: chr5-112838201-TC-CTTCTTCAAAG. GRCh37 (hg19) VCF-style: chr5-112173898-TC-CTTCTTCAAAG.
Other names: c.2607_2608delinsCTTCTTCAAAG, p.Pro870delinsPhePheLysAla (NM_001127510.3, NM_001354895.2); c.2553_2554delinsCTTCTTCAAAG, p.Pro852delinsPhePheLysAla (NM_001127511.3); c.2661_2662delinsCTTCTTCAAAG, p.Pro888delinsPhePheLysAla (NM_001354896.2); c.2637_2638delinsCTTCTTCAAAG, p.Pro880delinsPhePheLysAla (NM_001354897.2); c.2532_2533delinsCTTCTTCAAAG, p.Pro845delinsPhePheLysAla (NM_001354898.2); c.2523_2524delinsCTTCTTCAAAG, p.Pro842delinsPhePheLysAla (NM_001354899.2); c.2484_2485delinsCTTCTTCAAAG, p.Pro829delinsPhePheLysAla (NM_001354900.2); c.2430_2431delinsCTTCTTCAAAG, p.Pro811delinsPhePheLysAla (NM_001354901.2); and 16 more.
Identifiers: ClinVar variation 1793736 (VCV001793736.7), dbSNP rs2533435882, ClinGen allele CA2580072757.
Genomic context (GRCh38, chr5:112,838,201, plus strand): 5'-TAGAAGTTTGGAGAGAGAACGCGGAATTGGTCTAGGCAACTACCATCCAGCAACAGAAAA[TC>CTTCTTCAAAG]CAGGAACTTCTTCAAAGCGAGGTTTGCAGATCTCCACCACTGCAGCCCAGATTGCCAAAG-3'